The following is an entry in ClinVar:

NM_020791.4(TAOK1):c.2951G>A (p.Arg984Lys)

Gene: TAOK1 (TAO kinase 1; plus strand). Cytogenetic location: 17q11.2.
Variant type: single nucleotide variant.
Coding change: c.2951G>A on transcript NM_020791.4 (MANE Select); coding-DNA position 2951, G replaced by A.
Protein change: p.Arg984Lys; replaces arginine 984 with lysine.
Molecular consequence: missense variant.
Genome position (GRCh38, 1-based): chr17:29,542,967, G>A. VCF-style: chr17-29542967-G-A. GRCh37 (hg19) VCF-style: chr17-27869985-G-A.
Other names: c.2507G>A, p.Arg836Lys (NM_025142.1); short protein forms R836K, R984K.
Identifiers: ClinVar variation 5017326 (VCV005017326.1).

ClinVar aggregate classification (germline): Uncertain significance (1 of 4 stars; one submission).

Submission:

GeneDx
Classification: Uncertain significance. Last evaluated: 2026-03-24. Review status: criteria provided, single submitter. Criteria: GeneDx Variant Classification Process June 2021. Collection method: clinical testing. Allele origin: germline.
Comment: Not observed at significant frequency in large population cohorts (gnomAD); In silico analysis suggests that this missense variant does not alter protein structure/function; Has not been previously published as pathogenic or benign to our knowledge